The following is an entry in ClinVar:

NM_001394998.1(TANC2):c.85C>G (p.Pro29Ala)

Gene: TANC2 (tetratricopeptide repeat, ankyrin repeat and coiled-coil containing 2; plus strand). Cytogenetic location: 17q23.2.
Variant type: single nucleotide variant.
Coding change: c.85C>G on transcript NM_001394998.1 (MANE Select); coding-DNA position 85, C replaced by G.
Protein change: p.Pro29Ala; replaces proline 29 with alanine.
Molecular consequence: missense variant.
Genome position (GRCh38, 1-based): chr17:63,073,960, C>G. VCF-style: chr17-63073960-C-G. GRCh37 (hg19) VCF-style: chr17-61151321-C-G.
Other names: c.85C>G, p.Pro29Ala (NM_001411076.1, NM_025185.4); short protein forms P29A.
Identifiers: ClinVar variation 2648034 (VCV002648034.24), dbSNP rs750115471, ClinGen allele CA8697282.

ClinVar aggregate classification (germline): Likely benign (1 of 4 stars; one submission).

Allele frequency attached by ClinVar (database versions not stated): gnomAD 0.00001; gnomAD exomes 0.00002; TOPMed 0.00002; ExAC 0.00003.
gnomAD v4.1: 23 of 1,587,964 alleles (0.0014%); highest among the groups gnomAD compares: Admixed American, 0.0071%; no homozygotes.

Submission:

CeGaT Center for Human Genetics Tuebingen
Classification: Likely benign. Last evaluated: 2026-09-01. Review status: criteria provided, single submitter. Criteria: CeGaT Center For Human Genetics Tuebingen Variant Classification Criteria Version 2. Collection method: clinical testing. Allele origin: germline. Affected: yes. Observed: 4 variant alleles.
Comment: TANC2: BP4, BS2